The following is an entry in ClinVar:

NM_000284.4(PDHA1):c.722A>G (p.Asp241Gly)

Gene: PDHA1 (pyruvate dehydrogenase E1 subunit alpha 1; plus strand). Cytogenetic location: Xp22.12.
Variant type: single nucleotide variant.
Coding change: c.722A>G on transcript NM_000284.4 (MANE Select); coding-DNA position 722, A replaced by G.
Protein change: p.Asp241Gly; replaces aspartic acid 241 with glycine.
Molecular consequence: missense variant.
Genome position (GRCh38, 1-based): chrX:19,355,467, A>G. VCF-style: chrX-19355467-A-G. GRCh37 (hg19) VCF-style: chrX-19373585-A-G.
Other names: c.836A>G, p.Asp279Gly (NM_001173454.2); c.743A>G, p.Asp248Gly (NM_001173455.2); c.629A>G, p.Asp210Gly (NM_001173456.2); short protein forms D210G, D241G, D248G, D279G.
Identifiers: ClinVar variation 4855906 (VCV004855906.1).

ClinVar aggregate classification (germline): Uncertain significance (1 of 4 stars; one submission).

Conditions:
Pyruvate dehydrogenase E1-alpha deficiency (PDHAD). Also called: ATAXIA, INTERMITTENT, WITH PYRUVATE DEHYDROGENASE DEFICIENCY; ATAXIA WITH LACTIC ACIDOSIS I; ATAXIA, INTERMITTENT, WITH ABNORMAL PYRUVATE METABOLISM; Ataxia, intermittent, with pyruvate dehydrogenase, or decarboxylase, deficiency. Identifiers: Orphanet 79243, MedGen C1839413, MONDO:0010717, OMIM 312170.

Submission:

3billion
Classification: Uncertain significance for Pyruvate dehydrogenase E1-alpha deficiency. Last evaluated: 2025-08-19. Review status: criteria provided, single submitter. Criteria: ACMG Guidelines, 2015. Collection method: clinical testing. Allele origin: germline. Affected: yes.
Comment: The variant is not observed in the gnomAD v4.1.0 dataset. Predicted Consequence/Location: Missense variant In silico tool predictions suggest damaging effect of the variant on gene or gene product [REVEL: 0.93 (>=0.6, sensitivity 0.68 and specificity 0.92); 3Cnet: 0.99 (> 0.75, sensitivity 0.96 and precision 0.92)]. Therefore, this variant is classified as VUS according to the recommendation of ACMG/AMP guideline.